The following is an entry in ClinVar:

NM_198576.4(AGRN):c.1004C>T (p.Pro335Leu)

Gene: AGRN (agrin; plus strand). Cytogenetic location: 1p36.33.
Variant type: single nucleotide variant.
Coding change: c.1004C>T on transcript NM_198576.4 (MANE Select); coding-DNA position 1004, C replaced by T.
Protein change: p.Pro335Leu; replaces proline 335 with leucine.
Molecular consequence: missense variant.
Genome position (GRCh38, 1-based): chr1:1,041,529, C>T. VCF-style: chr1-1041529-C-T. GRCh37 (hg19) VCF-style: chr1-976909-C-T.
Other names: c.1004C>T, p.Pro335Leu (NM_001305275.2); c.689C>T, p.Pro230Leu (NM_001364727.2); short protein forms P230L, P335L.
Identifiers: ClinVar variation 4707760 (VCV004707760.1).

ClinVar aggregate classification (germline): Uncertain significance (1 of 4 stars; one submission).

Conditions:
Congenital myasthenic syndrome 8. Also called: MYASTHENIC SYNDROME, CONGENITAL, DUE TO AGRIN DEFICIENCY; Myasthenic syndrome, congenital, 8, with pre- and postsynaptic defects. Identifiers: Orphanet 590, MedGen C3808739, MONDO:0014052, OMIM 615120.

gnomAD v4.1: 9 of 1,603,906 alleles (0.00056%); highest among the groups gnomAD compares: Non-Finnish European, 0.00076%; no homozygotes.

Submission:

Labcorp Genetics (formerly Invitae), Labcorp
Classification: Uncertain significance for Congenital myasthenic syndrome 8. Last evaluated: 2025-08-08. Review status: criteria provided, single submitter. Criteria: Invitae Variant Classification Sherloc (09022015). Collection method: clinical testing. Allele origin: germline.
Comment: This sequence change replaces proline, which is neutral and non-polar, with leucine, which is neutral and non-polar, at codon 335 of the AGRN protein (p.Pro335Leu). The frequency data for this variant in the population databases is considered unreliable, as metrics indicate poor data quality at this position in the gnomAD database. This variant has not been reported in the literature in individuals affected with AGRN-related conditions. An algorithm developed to predict the effect of missense changes on protein structure and function (PolyPhen-2) suggests that this variant is likely to be disruptive. In summary, the available evidence is currently insufficient to determine the role of this variant in disease. Therefore, it has been classified as a Variant of Uncertain Significance.